The following is an entry in ClinVar:

ClinVar aggregate classification (germline): Pathogenic (1 of 4 stars; one submission).

Submission:

Labcorp Genetics (formerly Invitae), Labcorp
Classification: Pathogenic. Last evaluated: 2022-08-23. Review status: criteria provided, single submitter. Criteria: Invitae Variant Classification Sherloc (09022015). Collection method: clinical testing. Allele origin: germline.
Comment: This sequence change creates a premature translational stop signal (p.Cys941*) in the ABCA4 gene. It is expected to result in an absent or disrupted protein product. Loss-of-function variants in ABCA4 are known to be pathogenic (PMID: 10958761, 24938718, 25312043, 26780318). This variant is not present in population databases (gnomAD no frequency). This variant has not been reported in the literature in individuals affected with ABCA4-related conditions. For these reasons, this variant has been classified as Pathogenic.

Literature cited by the submitters: PubMed 10958761; PubMed 24938718; PubMed 25312043; PubMed 26780318.

NM_000350.3(ABCA4):c.2823T>A (p.Cys941Ter)

Gene: ABCA4 (ATP binding cassette subfamily A member 4; minus strand). Cytogenetic location: 1p22.1.
Variant type: single nucleotide variant.
Coding change: c.2823T>A on transcript NM_000350.3 (MANE Select); coding-DNA position 2823, T replaced by A.
Protein change: p.Cys941Ter; replaces cysteine 941 with a stop codon.
Molecular consequence: nonsense.
Genome position (GRCh38, 1-based): chr1:94,047,014, A>T on the plus strand (T>A on the coding strand, the complement: ABCA4 is on the minus strand). VCF-style: chr1-94047014-A-T. GRCh37 (hg19) VCF-style: chr1-94512570-A-T.
Other names: c.2601T>A, p.Cys867Ter (NM_001425324.1); short protein forms C941*, C867*.
Identifiers: ClinVar variation 1994608 (VCV001994608.4), dbSNP rs2523791093, ClinGen allele CA341275469.
Genomic context (GRCh38, chr1:94,047,014, plus strand): 5'-GAATGCGGTGATCTGGTTCTCGTAGAAGGTGATGTTCAGACGGTCCACAGCTGGCCGGCC[A>T]CAGGGCTCAAAAATCTTTACCAGATTCTTCACGCATACCCCAGGAACCCACCCTGGATGC-3'